The following is an entry in ClinVar:

ClinVar aggregate classification (germline): Uncertain significance. Review status: criteria provided, multiple submitters, no conflicts (2 of 4 stars). 3 submissions from 3 submitters: Uncertain significance (3). Last evaluated 2024-07-17.

Conditions:
Facial dysmorphism-immunodeficiency-livedo-short stature syndrome. Also called: FILS syndrome; Facial dysmorphism, immunodeficiency, livedo, and short stature. Identifiers: Orphanet 352712, MedGen C3554576, MONDO:0014058, OMIM 615139.
Intrauterine growth retardation, metaphyseal dysplasia, adrenal hypoplasia congenita, genital anomalies, and immunodeficiency. Also called: IMAGEI SYNDROME. Identifiers: MedGen C5193036, MONDO:0032684, OMIM 618336.
Colorectal cancer, susceptibility to, 12 (CRCS12). Also called: COLORECTAL CANCER, SUSCEPTIBILITY TO, ON CHROMOSOME 12q24. Identifiers: Orphanet 220460, MedGen C3554460, MONDO:0014038, OMIM 615083.
Hereditary cancer-predisposing syndrome. Also called: Hereditary Cancer Syndrome; Hereditary neoplastic syndrome; Tumor predisposition; Neoplastic Syndromes, Hereditary. Identifiers: Orphanet 140162, MedGen C0027672, MeSH D009386, MONDO:0015356.

Submissions (3):

Labcorp Genetics (formerly Invitae), Labcorp
Classification: Uncertain significance. Last evaluated: 2024-07-17. Review status: criteria provided, single submitter. Criteria: Invitae Variant Classification Sherloc (09022015). Collection method: clinical testing. Allele origin: germline.
Comment: This sequence change replaces valine, which is neutral and non-polar, with methionine, which is neutral and non-polar, at codon 791 of the POLE protein (p.Val791Met). This variant is not present in population databases (gnomAD no frequency). This variant has not been reported in the literature in individuals affected with POLE-related conditions. ClinVar contains an entry for this variant (Variation ID: 1957154). Advanced modeling of protein sequence and biophysical properties (such as structural, functional, and spatial information, amino acid conservation, physicochemical variation, residue mobility, and thermodynamic stability) performed at Invitae indicates that this missense variant is not expected to disrupt POLE protein function with a negative predictive value of 80%. In summary, the available evidence is currently insufficient to determine the role of this variant in disease. Therefore, it has been classified as a Variant of Uncertain Significance.

Fulgent Genetics
Classification: Uncertain significance for Colorectal cancer, susceptibility to, 12; Facial dysmorphism-immunodeficiency-livedo-short stature syndrome; Intrauterine growth retardation, metaphyseal dysplasia, adrenal hypoplasia congenita, genital anomalies, and immunodeficiency. Last evaluated: 2024-04-16. Review status: criteria provided, single submitter. Criteria: ACMG Guidelines, 2015. Collection method: clinical testing. Allele origin: germline.

Ambry Genetics
Classification: Uncertain significance for Hereditary cancer-predisposing syndrome. Last evaluated: 2023-11-25. Review status: criteria provided, single submitter. Criteria: Ambry Variant Classification Scheme 2023. Collection method: clinical testing. Allele origin: germline.
Comment: The p.V791M variant (also known as c.2371G>A), located in coding exon 21 of the POLE gene, results from a G to A substitution at nucleotide position 2371. The valine at codon 791 is replaced by methionine, an amino acid with highly similar properties. This amino acid position is conserved. In addition, this alteration is predicted to be tolerated by in silico analysis. Since supporting evidence is limited at this time, the clinical significance of this alteration remains unclear.

NM_006231.4(POLE):c.2371G>A (p.Val791Met)

Gene: POLE (DNA polymerase epsilon, catalytic subunit; minus strand). Cytogenetic location: 12q24.33.
Variant type: single nucleotide variant.
Coding change: c.2371G>A on transcript NM_006231.4 (MANE Select); coding-DNA position 2371, G replaced by A.
Protein change: p.Val791Met; replaces valine 791 with methionine.
Molecular consequence: missense variant.
Genome position (GRCh38, 1-based): chr12:132,665,399, C>T on the plus strand (G>A on the coding strand, the complement: POLE is on the minus strand). VCF-style: chr12-132665399-C-T. GRCh37 (hg19) VCF-style: chr12-133241985-C-T.
Other names: c.2371G>A (NM_006231.2); short protein forms V791M.
Identifiers: ClinVar variation 1957154 (VCV001957154.7), dbSNP rs2542074602, ClinGen allele CA387397596.